The following is an entry in ClinVar:

NM_000203.5(IDUA):c.239T>C (p.Val80Ala)

Genes: IDUA (alpha-L-iduronidase; plus strand), SLC26A1 (solute carrier family 26 member 1; minus strand). Cytogenetic location: 4p16.3.
Variant type: single nucleotide variant.
Coding change: c.239T>C on transcript NM_000203.5 (MANE Select); coding-DNA position 239, T replaced by C.
Protein change: p.Val80Ala; replaces valine 80 with alanine.
Molecular consequence: missense variant. On other transcripts: 3 prime UTR variant (2), non-coding transcript variant (1), intron variant (1).
Genome position (GRCh38, 1-based): chr4:987,889, T>C. VCF-style: chr4-987889-T-C. GRCh37 (hg19) VCF-style: chr4-981677-T-C.
Other names: c.*944A>G (NM_022042.4, NM_213613.4); c.576+3239A>G (NM_134425.4); short protein forms V80A.
Identifiers: ClinVar variation 2636521 (VCV002636521.2), dbSNP rs1283637061, ClinGen allele CA355946454.

ClinVar aggregate classification (germline): Uncertain significance (0 of 4 stars; one submission).

Conditions:
IDUA-related disorder. Also called: IDUA-related condition.

Allele frequency attached by ClinVar (database versions not stated): gnomAD exomes below 0.00001; TOPMed below 0.00001.
gnomAD v4.1: 1 of 1,610,692 alleles (0.000062%); highest among the groups gnomAD compares: Non-Finnish European, 0.000085%; no homozygotes.

Submission:

PreventionGenetics, part of Exact Sciences
Classification: Uncertain significance for IDUA-related condition. Last evaluated: 2024-05-21. Review status: no assertion criteria provided. Collection method: clinical testing. Allele origin: germline.
Comment: The IDUA c.239T>C variant is predicted to result in the amino acid substitution p.Val80Ala. To our knowledge, this variant has not been reported in the literature or in a large population database, indicating this variant is rare. However, a different variant impacting the same amino acid residue (p.Val80Phe) has been reported in a compound heterozygous individual with Hurler disease (Table 1D, Thomas et al. 2021. PubMed ID: 33301762). While we suspect that this variant could be pathogenic, at this time the clinical significance of this variant is uncertain due to the absence of conclusive functional and genetic evidence.